The following is an entry in ClinVar:

ClinVar aggregate classification (germline): Pathogenic (1 of 4 stars; one submission).

Conditions:
Aicardi-Goutieres syndrome 5. Identifiers: Orphanet 51, MedGen C2749659, MONDO:0013059, OMIM 612952.

Submission:

Labcorp Genetics (formerly Invitae), Labcorp
Classification: Pathogenic for Aicardi-Goutieres syndrome 5. Last evaluated: 2022-08-09. Review status: criteria provided, single submitter. Criteria: Invitae Variant Classification Sherloc (09022015). Collection method: clinical testing. Allele origin: germline.
Comment: This sequence change creates a premature translational stop signal (p.Ser23Glnfs*43) in the SAMHD1 gene. It is expected to result in an absent or disrupted protein product. Loss-of-function variants in SAMHD1 are known to be pathogenic (PMID: 19525956, 22461318). This variant is not present in population databases (gnomAD no frequency). This variant has not been reported in the literature in individuals affected with SAMHD1-related conditions. ClinVar contains an entry for this variant (Variation ID: 858736). For these reasons, this variant has been classified as Pathogenic.

Literature cited by the submitters: PubMed 19525956; PubMed 22461318.

NM_015474.4(SAMHD1):c.66del (p.Ser23fs)

Gene: SAMHD1 (SAM and HD domain containing deoxynucleoside triphosphate triphosphohydrolase 1; minus strand). Cytogenetic location: 20q11.23.
Variant type: Deletion.
Coding change: c.66del on transcript NM_015474.4 (MANE Select); coding-DNA position 66, one base deleted (C; older notation c.66delC).
Protein change: p.Ser23fs; shifts the reading frame from serine 23.
Molecular consequence: frameshift variant.
Genome position (GRCh38, 1-based): chr20:36,951,578, G deleted on the plus strand (C on the coding strand, the reverse complement: SAMHD1 is on the minus strand); the first of 5 consecutive G bases (chr20:36,951,578-36,951,582); deleting any one gives the same sequence. VCF-style (leftmost placement, unchanged base first): chr20-36951577-AG-A. GRCh37 (hg19) VCF-style: chr20-35579980-AG-A.
Other names: c.66del, p.Ser23fs (NM_001363729.2, NM_001363733.2); short protein forms S23fs.
Identifiers: ClinVar variation 858736 (VCV000858736.7), dbSNP rs1442728513, ClinGen allele CA916081232.